The following is an entry in ClinVar:

ClinVar aggregate classification (germline): Uncertain significance (1 of 4 stars; one submission).

Conditions:
RNF213-related disorder. Also called: RNF213-related condition.

gnomAD v4.1: 13 of 1,575,886 alleles (0.00082%); highest among the groups gnomAD compares: African/African-American, 0.015%; no homozygotes.

Submission:

PreventionGenetics, part of Exact Sciences
Classification: Uncertain significance for RNF213-related condition. Last evaluated: 2026-08-24. Review status: criteria provided, single submitter. Criteria: ACMG Guidelines, 2015. Collection method: clinical testing. Allele origin: germline.
Comment: The RNF213 c.420G>C variant is predicted to result in the amino acid substitution p.Gln140His. To our knowledge, this variant has not been reported in the literature. This variant is reported in 0.015% of alleles in individuals of African descent in gnomAD. At this time, the clinical significance of this variant is uncertain due to the absence of conclusive functional and genetic evidence.

NM_001256071.3(RNF213):c.420G>C (p.Gln140His)

Gene: RNF213 (ring finger protein 213; plus strand). Cytogenetic location: 17q25.3.
Variant type: single nucleotide variant.
Coding change: c.420G>C on transcript NM_001256071.3 (MANE Select); coding-DNA position 420, G replaced by C.
Protein change: p.Gln140His; replaces glutamine 140 with histidine.
Molecular consequence: missense variant.
Genome position (GRCh38, 1-based): chr17:80,287,973, G>C. VCF-style: chr17-80287973-G-C. GRCh37 (hg19) VCF-style: chr17-78261772-G-C.
Other names: c.567G>C, p.Gln189His (NM_001410195.1, NM_020914.5); c.420G>C, p.Gln140His (NM_020954.4); short protein forms Q140H, Q189H.
Identifiers: ClinVar variation 4980453 (VCV004980453.1).